The following is an entry in ClinVar:

NM_000383.4(AIRE):c.1278+1del

Gene: AIRE (autoimmune regulator; plus strand). Cytogenetic location: 21q22.3.
Variant type: Deletion.
Coding change: c.1278+1del on transcript NM_000383.4 (MANE Select); the canonical splice donor site of the intron after coding-DNA position 1278, one base deleted (G; older notation c.1278+1delG).
Molecular consequence: splice donor variant.
Genome position (GRCh38, 1-based): chr21:44,293,176, G deleted; the last of 2 consecutive G bases (chr21:44,293,175-44,293,176); deleting either gives the same sequence. VCF-style (leftmost placement, unchanged base first): chr21-44293174-AG-A. GRCh37 (hg19) VCF-style: chr21-45713057-AG-A.
Other names: c.1278+1delG (NM_000383.3); c.1278del (NM_000383.4).
Identifiers: ClinVar variation 370984 (VCV000370984.17), dbSNP rs996389327, ClinGen allele CA16042021.

ClinVar aggregate classification (germline): Likely pathogenic. Review status: criteria provided, multiple submitters, no conflicts (2 of 4 stars). 5 submissions from 5 submitters: Likely pathogenic (4). 1 of the submissions does not count toward it. Last evaluated 2024-12-30.

Conditions:
Polyglandular autoimmune syndrome, type 1 (APS1). Also called: HYPOADRENOCORTICISM WITH HYPOPARATHYROIDISM AND SUPERFICIAL MONILIASIS; AUTOIMMUNE POLYENDOCRINE SYNDROME, TYPE I, WITH OR WITHOUT REVERSIBLE METAPHYSEAL DYSPLASIA; PGA I; APS I; Whitaker syndrome; Autoimmune polyendocrinopathy syndrome , type I, with or without reversible metaphyseal dysplasia. Identifiers: Orphanet 3453, MedGen C0085859, MONDO:0009411, OMIM 240300.
AIRE-related disorder. Also called: AIRE-related condition.

Submissions (5):

Natera, Inc.
Classification: Likely pathogenic for Polyglandular autoimmune syndrome type 1. Last evaluated: 2024-12-30. Review status: criteria provided, single submitter. Criteria: Natera Variant Classification Schema (03/2026). Collection method: clinical testing. Allele origin: germline.
Comment: The c.1278+1delG variant in AIRE is a canonical splice donor site variant predicted to affect pre-mRNA splicing, which may result in an abnormal transcript and altered protein product. This variant is expected to result in nonsense mediated decay, truncation, or a dysfunctional protein product. This variant is rare in the general population with a frequency below the threshold expected for the associated phenotype(s). Given the available evidence, this variant is classified as Likely Pathogenic.

Fulgent Genetics
Classification: Likely pathogenic for Polyglandular autoimmune syndrome, type 1. Last evaluated: 2024-03-06. Review status: criteria provided, single submitter. Criteria: ACMG Guidelines, 2015. Collection method: clinical testing. Allele origin: germline.

Labcorp Genetics (formerly Invitae), Labcorp
Classification: Likely pathogenic for Polyglandular autoimmune syndrome, type 1. Last evaluated: 2023-09-10. Review status: criteria provided, single submitter. Criteria: Invitae Variant Classification Sherloc (09022015). Collection method: clinical testing. Allele origin: germline.
Comment: ClinVar contains an entry for this variant (Variation ID: 370984). This variant has not been reported in the literature in individuals affected with AIRE-related conditions. This variant is present in population databases (no rsID available, gnomAD 0.01%). This sequence change affects a splice site in intron 10 of the AIRE gene. It is expected to disrupt RNA splicing. Variants that disrupt the donor or acceptor splice site typically lead to a loss of protein function (PMID: 16199547), and loss-of-function variants in AIRE are known to be pathogenic (PMID: 11524731, 26141571). Algorithms developed to predict the effect of sequence changes on RNA splicing suggest that this variant may disrupt the consensus splice site. In summary, the currently available evidence indicates that the variant is pathogenic, but additional data are needed to prove that conclusively. Therefore, this variant has been classified as Likely Pathogenic.

Blueprint Genetics
Classification: Likely pathogenic for AIRE-related disorders. Last evaluated: 2021-03-11. Review status: criteria provided, single submitter. Criteria: ACMG Guidelines, 2015. Collection method: clinical testing. Allele origin: germline. Affected: yes. Observed: 1 variant allele.

Counsyl
Classification: Likely pathogenic for Polyglandular autoimmune syndrome, type 1. Last evaluated: 2016-05-27. Review status: no assertion criteria provided. Collection method: clinical testing. Allele origin: unknown. Not counted in ClinVar's aggregate classification.

Literature cited by the submitters: PubMed 16199547 (cited by Labcorp Genetics (formerly Invitae), Labcorp); PubMed 11524731 (cited by Labcorp Genetics (formerly Invitae), Labcorp); PubMed 26141571 (cited by Labcorp Genetics (formerly Invitae), Labcorp).